The following is an entry in ClinVar:

ClinVar aggregate classification (germline): Uncertain significance. Review status: criteria provided, multiple submitters, no conflicts (2 of 4 stars). 2 submissions from 2 submitters: Uncertain significance (2). Last evaluated 2025-10-26.

Conditions:
Hereditary cancer-predisposing syndrome. Also called: Tumor predisposition; Neoplastic Syndromes, Hereditary; Hereditary neoplastic syndrome; Hereditary Cancer Syndrome. Identifiers: Orphanet 140162, MedGen C0027672, MeSH D009386, MONDO:0015356.

gnomAD v4.1: 1 of 1,613,784 alleles (0.000062%); no homozygotes.

Submissions (2):

Ambry Genetics
Classification: Uncertain significance for Hereditary cancer-predisposing syndrome. Last evaluated: 2025-10-26. Review status: criteria provided, single submitter. Criteria: Ambry Variant Classification Scheme 2023. Collection method: clinical testing. Allele origin: germline.
Comment: The p.I1794F variant (also known as c.5380A>T), located in coding exon 40 of the POLE gene, results from an A to T substitution at nucleotide position 5380. The isoleucine at codon 1794 is replaced by phenylalanine, an amino acid with highly similar properties. This amino acid position is conserved. In addition, the in silico prediction for this alteration is inconclusive. Based on the available evidence, the clinical significance of this variant remains unclear.

Labcorp Genetics (formerly Invitae), Labcorp
Classification: Uncertain significance. Last evaluated: 2024-07-15. Review status: criteria provided, single submitter. Criteria: Invitae Variant Classification Sherloc (09022015). Collection method: clinical testing. Allele origin: germline.
Comment: This sequence change replaces isoleucine, which is neutral and non-polar, with phenylalanine, which is neutral and non-polar, at codon 1794 of the POLE protein (p.Ile1794Phe). This variant is not present in population databases (gnomAD no frequency). This variant has not been reported in the literature in individuals affected with POLE-related conditions. ClinVar contains an entry for this variant (Variation ID: 1516396). An algorithm developed to predict the effect of missense changes on protein structure and function (PolyPhen-2) suggests that this variant is likely to be disruptive. In summary, the available evidence is currently insufficient to determine the role of this variant in disease. Therefore, it has been classified as a Variant of Uncertain Significance.

NM_006231.4(POLE):c.5380A>T (p.Ile1794Phe)

Gene: POLE (DNA polymerase epsilon, catalytic subunit; minus strand). Cytogenetic location: 12q24.33.
Variant type: single nucleotide variant.
Coding change: c.5380A>T on transcript NM_006231.4 (MANE Select); coding-DNA position 5380, A replaced by T.
Protein change: p.Ile1794Phe; replaces isoleucine 1794 with phenylalanine.
Molecular consequence: missense variant.
Genome position (GRCh38, 1-based): chr12:132,639,297, T>A on the plus strand (A>T on the coding strand, the complement: POLE is on the minus strand). VCF-style: chr12-132639297-T-A. GRCh37 (hg19) VCF-style: chr12-133215883-T-A.
Other names: c.5380A>T (NM_006231.2); short protein forms I1794F.
Identifiers: ClinVar variation 1516396 (VCV001516396.7), dbSNP rs2138511540, ClinGen allele CA387375180.